The following is an entry in ClinVar:

ClinVar aggregate classification (germline): Conflicting classifications of pathogenicity. Review status: criteria provided, conflicting classifications (1 of 4 stars). 6 submissions from 6 submitters: Uncertain significance (1); Benign (2); Likely benign (1). 2 of the submissions do not count toward it. Last evaluated 2025-12-16.

Conditions:
Deficiency of iodide peroxidase (TDH2A). Also called: THYROID HORMONOGENESIS, GENETIC DEFECT IN, 2A; THYROID PEROXIDASE DEFICIENCY; HYPOTHYROIDISM, CONGENITAL, DUE TO DYSHORMONOGENESIS, 2A; IODIDE PEROXIDASE DEFICIENCY; Thyroid dyshormonogenesis 2A. Identifiers: Orphanet 95716, MedGen C1291299, MONDO:0010133, OMIM 274500.

Allele frequency attached by ClinVar (database versions not stated): gnomAD exomes 0.00040 and 0.00103; ExAC 0.00143; 1000 Genomes Project 30x 0.00422; gnomAD 0.00442 and 0.00476; 1000 Genomes Project 0.00459; ESP Exome Variant Server 0.00469; TOPMed 0.00492.
gnomAD v4.1: 1,296 of 1,614,168 alleles (0.08%); highest among the groups gnomAD compares: African/African-American, 1.5%; 10 homozygotes.

Submissions (6):

Labcorp Genetics (formerly Invitae), Labcorp
Classification: Benign. Last evaluated: 2025-12-16. Review status: criteria provided, single submitter. Criteria: Invitae Variant Classification Sherloc (09022015). Collection method: clinical testing. Allele origin: germline.

Blueprint Genetics
Classification: Likely benign. Last evaluated: 2024-11-26. Review status: criteria provided, single submitter. Criteria: ACMG Guidelines, 2015. Collection method: clinical testing. Allele origin: germline.

CeGaT Center for Human Genetics Tuebingen
Classification: Benign. Last evaluated: 2023-02-01. Review status: criteria provided, single submitter. Criteria: CeGaT Center For Human Genetics Tuebingen Variant Classification Criteria Version 2. Collection method: clinical testing. Allele origin: germline. Affected: yes. Observed: 1 variant allele.
Comment: TPO: BP4, BS1, BS2

Illumina Laboratory Services, Illumina
Classification: Uncertain significance for Deficiency of iodide peroxidase. Last evaluated: 2018-01-13. Review status: criteria provided, single submitter. Criteria: ICSL Variant Classification Criteria 13 December 2019. Collection method: clinical testing. Allele origin: germline.

Clinical Genetics DNA and cytogenetics Diagnostics Lab, Erasmus MC, Erasmus Medical Center
Classification: Likely benign. Review status: no assertion criteria provided. Collection method: clinical testing. Allele origin: germline. Affected: yes. Study: VKGL Data-share Consensus. Not counted in ClinVar's aggregate classification.

Clinical Genetics, Academic Medical Center
Classification: Benign. Review status: no assertion criteria provided. Collection method: clinical testing. Allele origin: germline. Affected: yes. Study: VKGL Data-share Consensus. Not counted in ClinVar's aggregate classification.

NM_001206744.2(TPO):c.2749-4G>A

Genes: LALTOP (lung cancer associated lncRNA targeting TOP2A; minus strand), TPO (thyroid peroxidase; plus strand). Cytogenetic location: 2p25.3.
Variant type: single nucleotide variant.
Coding change: c.2749-4G>A on transcript NM_001206744.2 (MANE Select); 4 bases into the intron before coding-DNA position 2749, G replaced by A.
Molecular consequence: intron variant.
Genome position (GRCh38, 1-based): chr2:1,542,417, G>A. VCF-style: chr2-1542417-G-A. GRCh37 (hg19) VCF-style: chr2-1546189-G-A.
Other names: c.2749-4G>A (NM_000547.6); c.2578-4G>A (NM_175719.4, NM_001206745.2); c.2617-4G>A (NM_175721.3); c.2230-4G>A (NM_175722.3).
Identifiers: ClinVar variation 331641 (VCV000331641.40), dbSNP rs28915686, ClinGen allele CA1512335.
Genomic context (GRCh38, chr2:1,542,417, plus strand): 5'-TGTGTGCTGTTACTGGAGCAGTCAGAATTCAGACGTTATTAATGTTTGTTCTGCATTTTT[G>A]CAGGAGAGTGCTGGGATGGAAGGCCGGGATACTCACAGGCTGCCGAGAGCCCTCTGAGGG-3'